The following is an entry in ClinVar:

ClinVar aggregate classification (germline): Uncertain significance. Review status: criteria provided, multiple submitters, no conflicts (2 of 4 stars). 2 submissions from 2 submitters: Uncertain significance (2). Last evaluated 2024-12-31.

Conditions:
Polycystic kidney disease, adult type (PKD1). Also called: Polycystic Kidney Disease 1, Autosomal Dominant; Polycystic kidney disease 1; Polycystic kidney disease 1, severe; Polycystic Kidney, Autosomal Dominant; POLYCYSTIC KIDNEY DISEASE 1 WITH OR WITHOUT POLYCYSTIC LIVER DISEASE; POLYCYSTIC KIDNEY DISEASE, ADULT, TYPE I. Identifiers: MedGen C3149841, MONDO:0008263, OMIM 173900.

Submissions (2):

GeneDx
Classification: Uncertain significance. Last evaluated: 2024-12-31. Review status: criteria provided, single submitter. Criteria: GeneDx Variant Classification Process June 2021. Collection method: clinical testing. Allele origin: germline. Affected: yes.
Comment: Not observed at significant frequency in large population cohorts (gnomAD); In silico analysis supports that this missense variant has a deleterious effect on protein structure/function; Has not been previously published as pathogenic or benign to our knowledge

MVZ Medizinische Genetik Mainz
Classification: Uncertain significance for Polycystic kidney disease, adult type. Last evaluated: 2022-05-17. Review status: criteria provided, single submitter. Criteria: UK Practice Guidelines For Variant Classification V4 01 2020. Collection method: clinical testing. Allele origin: germline. Inheritance: Autosomal dominant inheritance. Affected: yes. Observed: 1 variant allele.
Comment: ACMG Criteria: PM2_SUP, PP4 (ACMG Version 3)

NM_001009944.3(PKD1):c.9373A>G (p.Lys3125Glu)

Gene: PKD1 (polycystin 1, transient receptor potential channel interacting; minus strand). Cytogenetic location: 16p13.3.
Variant type: single nucleotide variant.
Coding change: c.9373A>G on transcript NM_001009944.3 (MANE Select); coding-DNA position 9373, A replaced by G.
Protein change: p.Lys3125Glu; replaces lysine 3125 with glutamic acid.
Molecular consequence: missense variant.
Genome position (GRCh38, 1-based): chr16:2,102,085, T>C on the plus strand (A>G on the coding strand, the complement: PKD1 is on the minus strand). VCF-style: chr16-2102085-T-C. GRCh37 (hg19) VCF-style: chr16-2152086-T-C.
Other names: c.9373A>G, p.Lys3125Glu (NM_000296.4); short protein forms K3125E.
Identifiers: ClinVar variation 3236178 (VCV003236178.2), dbSNP rs2544729964, ClinGen allele CA394357694.
Genomic context (GRCh38, chr16:2,102,085, plus strand): 5'-GCAGGGGAGGCCCTGCCACCCCGCTGCGCCCCTCACCTGAGCCCCGGCCCCAGCCTGTCT[T>C]GACGAGGATCTCGTACTTGAAGCGGCCCCGCTGCCCACAGAAAGGGATGGCGCGGCCCCG-3'
Protein context (NP_001009944.3, residues 3115-3135): RGRFKYEILV[Lys3125Glu]TGWGRGSGTT